The following is an entry in ClinVar:

NM_000787.4(DBH):c.814G>A (p.Glu272Lys)

Gene: DBH (dopamine beta-hydroxylase; plus strand). Cytogenetic location: 9q34.2.
Variant type: single nucleotide variant.
Coding change: c.814G>A on transcript NM_000787.4 (MANE Select); coding-DNA position 814, G replaced by A.
Protein change: p.Glu272Lys; replaces glutamic acid 272 with lysine.
Molecular consequence: missense variant.
Genome position (GRCh38, 1-based): chr9:133,643,482, G>A. VCF-style: chr9-133643482-G-A. GRCh37 (hg19) VCF-style: chr9-136508604-G-A.
Other names: c.814G>A (NM_000787.3); short protein forms E272K.
Identifiers: ClinVar variation 2178690 (VCV002178690.5), dbSNP rs778715285, ClinGen allele CA5313205.

ClinVar aggregate classification (germline): Uncertain significance. Review status: criteria provided, multiple submitters, no conflicts (2 of 4 stars). 2 submissions from 2 submitters: Uncertain significance (2). Last evaluated 2025-08-31.

Conditions:
Inborn genetic diseases. Identifiers: MedGen C0950123, MeSH D030342.
Orthostatic hypotension 1 (ORTHYP1). Also called: Dopamine beta-hydroxylase deficiency; NORADRENALINE DEFICIENCY; NOREPINEPHRINE DEFICIENCY; Orthostatic hypotension 1, due to DBH deficiency. Identifiers: Orphanet 230, MedGen C4746777, MONDO:0009123, OMIM 223360.

Allele frequency attached by ClinVar (database versions not stated): ExAC 0.00001; gnomAD exomes 0.00001; gnomAD 0.00003; TOPMed 0.00007.
gnomAD v4.1: 16 of 1,613,688 alleles (0.00099%); highest among the groups gnomAD compares: African/African-American, 0.012%; no homozygotes.

Submissions (2):

Ambry Genetics
Classification: Uncertain significance for Inborn genetic diseases. Last evaluated: 2025-08-31. Review status: criteria provided, single submitter. Criteria: Ambry Variant Classification Scheme 2023. Collection method: clinical testing. Allele origin: germline.

Labcorp Genetics (formerly Invitae), Labcorp
Classification: Uncertain significance for Orthostatic hypotension 1. Last evaluated: 2022-04-22. Review status: criteria provided, single submitter. Criteria: Invitae Variant Classification Sherloc (09022015). Collection method: clinical testing. Allele origin: germline.
Comment: This sequence change replaces glutamic acid, which is acidic and polar, with lysine, which is basic and polar, at codon 272 of the DBH protein (p.Glu272Lys). This variant is present in population databases (rs778715285, gnomAD 0.01%). This variant has not been reported in the literature in individuals affected with DBH-related conditions. Algorithms developed to predict the effect of missense changes on protein structure and function (SIFT, PolyPhen-2, Align-GVGD) all suggest that this variant is likely to be tolerated. In summary, the available evidence is currently insufficient to determine the role of this variant in disease. Therefore, it has been classified as a Variant of Uncertain Significance.